The following is an entry in ClinVar:

ClinVar aggregate classification (germline): Uncertain significance. Review status: criteria provided, multiple submitters, no conflicts (2 of 4 stars). 2 submissions from 2 submitters: Uncertain significance (2). Last evaluated 2026-01-23.

Conditions:
NEFH-related disorder. Also called: NEFH-related condition.

Allele frequency attached by ClinVar (database versions not stated): gnomAD exomes below 0.00001; gnomAD 0.00001.
gnomAD v4.1: 2 of 1,427,596 alleles (0.00014%); highest among the groups gnomAD compares: Non-Finnish European, 0.00018%; no homozygotes.

Submissions (2):

PreventionGenetics, part of Exact Sciences
Classification: Uncertain significance for NEFH-related condition. Last evaluated: 2026-01-23. Review status: criteria provided, single submitter. Criteria: ACMG Guidelines, 2015. Collection method: clinical testing. Allele origin: germline.
Comment: The NEFH c.523C>T variant is predicted to result in the amino acid substitution p.Leu175Phe. To our knowledge, this variant has not been reported in the literature or in a large population database (gnomAD), indicating this variant is rare. At this time, the clinical significance of this variant is uncertain due to the absence of conclusive functional and genetic evidence.

Labcorp Genetics (formerly Invitae), Labcorp
Classification: Uncertain significance. Last evaluated: 2023-08-28. Review status: criteria provided, single submitter. Criteria: Invitae Variant Classification Sherloc (09022015). Collection method: clinical testing. Allele origin: germline.
Comment: This sequence change replaces leucine, which is neutral and non-polar, with phenylalanine, which is neutral and non-polar, at codon 175 of the NEFH protein (p.Leu175Phe). This variant is not present in population databases (gnomAD no frequency). This variant has not been reported in the literature in individuals affected with NEFH-related conditions. ClinVar contains an entry for this variant (Variation ID: 1912715). Advanced modeling of protein sequence and biophysical properties (such as structural, functional, and spatial information, amino acid conservation, physicochemical variation, residue mobility, and thermodynamic stability) performed at Invitae indicates that this missense variant is not expected to disrupt NEFH protein function. In summary, the available evidence is currently insufficient to determine the role of this variant in disease. Therefore, it has been classified as a Variant of Uncertain Significance.

NM_021076.4(NEFH):c.523C>T (p.Leu175Phe)

Gene: NEFH (neurofilament heavy chain; plus strand). Cytogenetic location: 22q12.2.
Variant type: single nucleotide variant.
Coding change: c.523C>T on transcript NM_021076.4 (MANE Select); coding-DNA position 523, C replaced by T.
Protein change: p.Leu175Phe; replaces leucine 175 with phenylalanine.
Molecular consequence: missense variant.
Genome position (GRCh38, 1-based): chr22:29,480,785, C>T. VCF-style: chr22-29480785-C-T. GRCh37 (hg19) VCF-style: chr22-29876774-C-T.
Other names: c.523C>T (NM_021076.3); short protein forms L175F.
Identifiers: ClinVar variation 1912715 (VCV001912715.6), dbSNP rs1174158196, ClinGen allele CA411123034.